The following is an entry in ClinVar:

NM_000525.4(KCNJ11):c.-54C>T

Gene: KCNJ11 (potassium inwardly rectifying channel subfamily J member 11; minus strand). Cytogenetic location: 11p15.1.
Variant type: single nucleotide variant.
Coding change: c.-54C>T on transcript NM_000525.4 (MANE Select); 54 bases upstream of the start codon, C replaced by T.
Molecular consequence: 5 prime UTR variant. On other transcripts: intron variant (3).
Genome position (GRCh38, 1-based): chr11:17,388,145, G>A on the plus strand (C>T on the coding strand, the complement: KCNJ11 is on the minus strand). VCF-style: chr11-17388145-G-A. GRCh37 (hg19) VCF-style: chr11-17409692-G-A.
Other names: c.-16-299C>T (NM_001166290.2, NM_001377297.1); c.-75-69C>T (NM_001377296.1).
Identifiers: ClinVar variation 553627 (VCV000553627.6), dbSNP rs1016780684, ClinGen allele CA218400472.

ClinVar aggregate classification (germline): Uncertain significance. Review status: criteria provided, multiple submitters, no conflicts (2 of 4 stars). 5 submissions from 5 submitters: Uncertain significance (4). 1 of the submissions does not count toward it. Last evaluated 2024-07-26.

Conditions:
Diabetes mellitus, transient neonatal, 3 (TNDM3). Identifiers: Orphanet 99886, MedGen C1864623, MONDO:0012522, OMIM 610582. Disease mechanism: loss of function.
Hyperinsulinemic hypoglycemia, familial, 2. Also called: HYPERINSULINEMIC HYPOGLYCEMIA, PERSISTENT; HYPERINSULINISM, NEONATAL. Identifiers: Orphanet 276580, Orphanet 276603, MedGen C2931833, MONDO:0011153, OMIM 601820. Disease mechanism: loss of function.
Permanent neonatal diabetes mellitus 1. Also called: GCK-Related Permanent Neonatal Diabetes Mellitus. Identifiers: MedGen C5393570, MONDO:0100165, OMIM 606176.
Maturity-onset diabetes of the young (MODY). Also called: Maturity onset diabetes mellitus in young. Identifiers: Orphanet 552, MedGen C0342276, MONDO:0018911, HP:0004904.
Maturity-onset diabetes of the young type 13. Also called: MODY, TYPE 13. Identifiers: Orphanet 552, MedGen C4225365, MONDO:0014589, OMIM 616329.
Type 2 diabetes mellitus. Also called: Type II diabetes mellitus. Identifiers: MedGen C0011860, MeSH D003924, MONDO:0005148, OMIM 125853, HP:0005978.
Diabetes mellitus, permanent neonatal 2. Also called: KCNJ11-Related Permanent Neonatal Diabetes Mellitus. Identifiers: MedGen C5394296, MONDO:0030087, OMIM 618856.

Allele frequency attached by ClinVar (database versions not stated): gnomAD exomes 0.00003; gnomAD 0.00010; TOPMed 0.00001.
gnomAD v4.1: 51 of 1,539,216 alleles (0.0033%); highest among the groups gnomAD compares: African/African-American, 0.0027%; no homozygotes.

Submissions (5):

Revvity Omics, Revvity
Classification: Uncertain significance. Last evaluated: 2024-07-26. Review status: criteria provided, single submitter. Criteria: ACMG Guidelines, 2015. Collection method: clinical testing. Allele origin: germline.

Blueprint Genetics
Classification: Uncertain significance. Last evaluated: 2023-06-02. Review status: criteria provided, single submitter. Criteria: ACMG Guidelines, 2015. Collection method: clinical testing. Allele origin: germline.

Fulgent Genetics
Classification: Uncertain significance for Type 2 diabetes mellitus; Hyperinsulinemic hypoglycemia, familial, 2; Diabetes mellitus, transient neonatal, 3; Maturity-onset diabetes of the young type 13; Diabetes mellitus, permanent neonatal 2. Last evaluated: 2022-03-09. Review status: criteria provided, single submitter. Criteria: ACMG Guidelines, 2015. Collection method: clinical testing. Allele origin: unknown.

Clinical Genomics, Uppaluri K&H Personalized Medicine Clinic
Classification: Uncertain significance for Maturity-onset diabetes of the young. Review status: criteria provided, single submitter. Criteria: K & H Uppaluri Personalized Medicine Clinic Variant Classification & Assertion Criteria_Updated V.1. Collection method: research. Allele origin: somatic. Inheritance: Autosomal dominant inheritance.
Comment: Mutations in KCNJ11 gene can cause decreased production and secretion of insulin. This can lead to MODY which may be responsive to oral sulfonylureas. It is also associated with Neonatal Diabetes. However, no sufficient evidence is found to ascertain the role of this particular variant (rs1016780684) in MODY yet.

Counsyl
Classification: Uncertain significance for Hyperinsulinemic hypoglycemia, familial, 2; Permanent neonatal diabetes mellitus 1; Diabetes mellitus, transient neonatal, 3. Last evaluated: 2017-11-14. Review status: no assertion criteria provided. Collection method: clinical testing. Allele origin: unknown. Not counted in ClinVar's aggregate classification.

Literature cited by the submitters: PubMed 18767144 (cited by Clinical Genomics, Uppaluri K&H Personalized Medicine Clinic); PubMed 26448950 (cited by Clinical Genomics, Uppaluri K&H Personalized Medicine Clinic); PubMed 15580558 (cited by Clinical Genomics, Uppaluri K&H Personalized Medicine Clinic); PubMed 15718250 (cited by Clinical Genomics, Uppaluri K&H Personalized Medicine Clinic); PubMed 32935446 (cited by Clinical Genomics, Uppaluri K&H Personalized Medicine Clinic); PubMed 22701567 (cited by Clinical Genomics, Uppaluri K&H Personalized Medicine Clinic); PubMed 16416420 (cited by Counsyl); PubMed 19372376 (cited by Counsyl); PubMed 12364426 (cited by Counsyl); PubMed 23950723 (cited by Counsyl).